The following is an entry in ClinVar:

NM_003126.4(SPTA1):c.6789-8del

Gene: SPTA1 (spectrin alpha, erythrocytic 1; minus strand). Cytogenetic location: 1q23.1.
Variant type: Deletion.
Coding change: c.6789-8del on transcript NM_003126.4 (MANE Select); 8 bases into the intron before coding-DNA position 6789, one base deleted (T; older notation c.6789-8delT).
Molecular consequence: intron variant.
Genome position (GRCh38, 1-based): chr1:158,614,314, A deleted on the plus strand (T on the coding strand, the reverse complement: SPTA1 is on the minus strand); the first of 12 consecutive A bases (chr1:158,614,314-158,614,325); deleting any one gives the same sequence. VCF-style (leftmost placement, unchanged base first): chr1-158614313-GA-G. GRCh37 (hg19) VCF-style: chr1-158584103-GA-G.
Other names: p.?.
Identifiers: ClinVar variation 292949 (VCV000292949.19), dbSNP rs5778083, ClinGen allele CA1181839.

ClinVar aggregate classification (germline): Benign/Likely benign. Review status: criteria provided, multiple submitters, no conflicts (2 of 4 stars). 5 submissions from 5 submitters: Benign (4); Likely benign (1). Last evaluated 2025-12-25.

Conditions:
Pyropoikilocytosis, hereditary. Also called: Pyropoikilocytosis. Identifiers: MedGen C0520739, MONDO:0009948, OMIM 266140, HP:0004839. Disease mechanism: loss of function.
Elliptocytosis 2 (EL2). Also called: ELLIPTOCYTOSIS, RHESUS-UNLINKED TYPE. Identifiers: Orphanet 288, MedGen C1851741, MONDO:0007533, OMIM 130600.
Hereditary spherocytosis type 3. Also called: Spherocytosis type 3; SPTA1-Related Spherocytosis. Identifiers: Orphanet 822, MedGen C2678338, MONDO:0010053, OMIM 270970.

Submissions (5):

Labcorp Genetics (formerly Invitae), Labcorp
Classification: Benign. Last evaluated: 2025-12-25. Review status: criteria provided, single submitter. Criteria: Invitae Variant Classification Sherloc (09022015). Collection method: clinical testing. Allele origin: germline.

Blueprint Genetics
Classification: Likely benign. Last evaluated: 2024-11-25. Review status: criteria provided, single submitter. Criteria: ACMG Guidelines, 2015. Collection method: clinical testing. Allele origin: germline.

Mayo Clinic Laboratories, Mayo Clinic
Classification: Benign. Last evaluated: 2022-05-17. Review status: criteria provided, single submitter. Criteria: ACMG Guidelines, 2015. Collection method: clinical testing. Allele origin: germline. Observed: 363 variant alleles.
Comment: BS1, BS2

Fulgent Genetics
Classification: Benign for Elliptocytosis 2; Pyropoikilocytosis, hereditary; Hereditary spherocytosis type 3. Last evaluated: 2022-03-01. Review status: criteria provided, single submitter. Criteria: ACMG Guidelines, 2015. Collection method: clinical testing. Allele origin: unknown.

ARUP Laboratories, Molecular Genetics and Genomics, ARUP Laboratories
Classification: Benign. Last evaluated: 2018-08-08. Review status: criteria provided, single submitter. Criteria: ARUP Molecular Germline Variant Investigation Process. Collection method: clinical testing. Allele origin: germline.